The following is an entry in ClinVar:

NM_001844.5(COL2A1):c.3425C>A (p.Pro1142His)

Gene: COL2A1 (collagen type II alpha 1 chain; minus strand). Cytogenetic location: 12q13.11.
Variant type: single nucleotide variant.
Coding change: c.3425C>A on transcript NM_001844.5 (MANE Select); coding-DNA position 3425, C replaced by A.
Protein change: p.Pro1142His; replaces proline 1142 with histidine.
Molecular consequence: missense variant.
Genome position (GRCh38, 1-based): chr12:47,976,822, G>T on the plus strand (C>A on the coding strand, the complement: COL2A1 is on the minus strand). VCF-style: chr12-47976822-G-T. GRCh37 (hg19) VCF-style: chr12-48370605-G-T.
Other names: c.3218C>A, p.Pro1073His (NM_033150.3); short protein forms P1073H, P1142H.
Identifiers: ClinVar variation 1446264 (VCV001446264.6), dbSNP rs1466253134, ClinGen allele CA384538663.

ClinVar aggregate classification (germline): Uncertain significance (1 of 4 stars; one submission).

Allele frequency attached by ClinVar (database versions not stated): gnomAD exomes below 0.00001 and 0.00001; gnomAD 0.00001.
gnomAD v4.1: 10 of 1,612,936 alleles (0.00062%); highest among the groups gnomAD compares: African/African-American, 0.0013%; no homozygotes.

Submission:

Labcorp Genetics (formerly Invitae), Labcorp
Classification: Uncertain significance. Last evaluated: 2025-03-11. Review status: criteria provided, single submitter. Criteria: Invitae Variant Classification Sherloc (09022015). Collection method: clinical testing. Allele origin: germline.
Comment: This sequence change replaces proline, which is neutral and non-polar, with histidine, which is basic and polar, at codon 1142 of the COL2A1 protein (p.Pro1142His). The frequency data for this variant in the population databases is considered unreliable, as metrics indicate poor data quality at this position in the gnomAD database. This variant has not been reported in the literature in individuals affected with COL2A1-related conditions. ClinVar contains an entry for this variant (Variation ID: 1446264). Invitae Evidence Modeling of protein sequence and biophysical properties (such as structural, functional, and spatial information, amino acid conservation, physicochemical variation, residue mobility, and thermodynamic stability) indicates that this missense variant is expected to disrupt COL2A1 protein function with a positive predictive value of 95%. In summary, the available evidence is currently insufficient to determine the role of this variant in disease. Therefore, it has been classified as a Variant of Uncertain Significance.